The following is an entry in ClinVar:

NM_018489.3(ASH1L):c.3774T>G (p.Asp1258Glu)

Gene: ASH1L (ASH1 like histone lysine methyltransferase; minus strand). Cytogenetic location: 1q22.
Variant type: single nucleotide variant.
Coding change: c.3774T>G on transcript NM_018489.3 (MANE Select); coding-DNA position 3774, T replaced by G.
Protein change: p.Asp1258Glu; replaces aspartic acid 1258 with glutamic acid.
Molecular consequence: missense variant.
Genome position (GRCh38, 1-based): chr1:155,479,096, A>C on the plus strand (T>G on the coding strand, the complement: ASH1L is on the minus strand). VCF-style: chr1-155479096-A-C. GRCh37 (hg19) VCF-style: chr1-155448887-A-C.
Other names: c.3774T>G, p.Asp1258Glu (NM_001366177.2); short protein forms D1258E.
Identifiers: ClinVar variation 3342041 (VCV003342041.16).
Genomic context (GRCh38, chr1:155,479,096, plus strand): 5'-CTGGGGATATTTCTTTTTCCGTTTTCGTTTCTGCCTTTTCATCTTGTCATAGCTGAGGTA[A>C]TCATGATTCCTGCGCTTACATTTGTGTTTATGTTTTTCTTTAAGACTGCTTAGCACTGTA-3'
Protein context (NP_060959.2, residues 1248-1268): HKHKCKRRNH[Asp1258Glu]YLSYDKMKRQ

ClinVar aggregate classification (germline): Uncertain significance (1 of 4 stars; one submission).

gnomAD v4.1: 2 of 1,614,086 alleles (0.00012%); highest among the groups gnomAD compares: Non-Finnish European, 0.00017%; no homozygotes.

Submission:

CeGaT Center for Human Genetics Tuebingen
Classification: Uncertain significance. Last evaluated: 2024-08-01. Review status: criteria provided, single submitter. Criteria: CeGaT Center For Human Genetics Tuebingen Variant Classification Criteria Version 2. Collection method: clinical testing. Allele origin: germline. Affected: yes. Observed: 1 variant allele.
Comment: ASH1L: PM2